The following is an entry in ClinVar:

NM_014336.5(AIPL1):c.1058A>G (p.Glu353Gly)

Gene: AIPL1 (AIP like 1 HSP90 co-chaperone; minus strand). Cytogenetic location: 17p13.2.
Variant type: single nucleotide variant.
Coding change: c.1058A>G on transcript NM_014336.5 (MANE Select); coding-DNA position 1058, A replaced by G.
Protein change: p.Glu353Gly; replaces glutamic acid 353 with glycine.
Molecular consequence: missense variant. On other transcripts: 3 prime UTR variant (1).
Genome position (GRCh38, 1-based): chr17:6,425,557, T>C on the plus strand (A>G on the coding strand, the complement: AIPL1 is on the minus strand). VCF-style: chr17-6425557-T-C. GRCh37 (hg19) VCF-style: chr17-6328877-T-C.
Other names: c.869A>G, p.Glu290Gly (NM_001033054.3); c.878A>G, p.Glu293Gly (NM_001033055.3); c.1022A>G, p.Glu341Gly (NM_001285399.3); c.992A>G, p.Glu331Gly (NM_001285400.3); c.986A>G, p.Glu329Gly (NM_001285401.3); c.941A>G, p.Glu314Gly (NM_001285402.2); c.*1029A>G (NM_001285403.4); c.1058A>G (NM_014336.3); short protein forms E353G, E314G, E329G, E331G, E290G, E293G, E341G.
Identifiers: ClinVar variation 1349357 (VCV001349357.4), dbSNP rs1452332999, ClinGen allele CA397394344.
Genomic context (GRCh38, chr17:6,425,557, plus strand): 5'-TCTGTGGCTGGCTCTGCAGGGGGCCCTGCGGACAGCTCTGCAGATGGTGCTGTGGGTGGC[T>C]CTGCAGGTGGCTCTGTGGATGACTGTGCGGGTGGCTCTGTGGGTGGCTCTGCGGGAGGCT-3'
Protein context (NP_055151.3, residues 343-363): PAQSSTEPPA[Glu353Gly]PPTAPSAELS

ClinVar aggregate classification (germline): Uncertain significance. Review status: criteria provided, multiple submitters, no conflicts (2 of 4 stars). 2 submissions from 2 submitters: Uncertain significance (2). Last evaluated 2022-07-07.

Conditions:
Inborn genetic diseases. Identifiers: MedGen C0950123, MeSH D030342.
Leber congenital amaurosis 4 (LCA4). Identifiers: MedGen C1858386, MONDO:0011458, OMIM 604393.

Allele frequency attached by ClinVar (database versions not stated): gnomAD exomes below 0.00001; gnomAD 0.00001; TOPMed 0.00001.
gnomAD v4.1: 4 of 1,610,570 alleles (0.00025%); highest among the groups gnomAD compares: Non-Finnish European, 0.00017%; no homozygotes.

Submissions (2):

Ambry Genetics
Classification: Uncertain significance for Inborn genetic diseases. Last evaluated: 2022-07-07. Review status: criteria provided, single submitter. Criteria: Ambry Variant Classification Scheme 2023. Collection method: clinical testing. Allele origin: germline.

Labcorp Genetics (formerly Invitae), Labcorp
Classification: Uncertain significance for Leber congenital amaurosis 4. Last evaluated: 2022-03-23. Review status: criteria provided, single submitter. Criteria: Invitae Variant Classification Sherloc (09022015). Collection method: clinical testing. Allele origin: germline.
Comment: This sequence change replaces glutamic acid, which is acidic and polar, with glycine, which is neutral and non-polar, at codon 353 of the AIPL1 protein (p.Glu353Gly). This variant is not present in population databases (gnomAD no frequency). This variant has not been reported in the literature in individuals affected with AIPL1-related conditions. Algorithms developed to predict the effect of missense changes on protein structure and function are either unavailable or do not agree on the potential impact of this missense change (SIFT: "Tolerated"; PolyPhen-2: "Not Available"; Align-GVGD: "Class C0"). In summary, the available evidence is currently insufficient to determine the role of this variant in disease. Therefore, it has been classified as a Variant of Uncertain Significance.